The following is an entry in ClinVar:

ClinVar aggregate classification (germline): Uncertain significance (1 of 4 stars; one submission).

Conditions:
Cardiovascular phenotype. Identifiers: MedGen CN230736.

Submission:

Ambry Genetics
Classification: Uncertain significance for Cardiovascular phenotype. Last evaluated: 2023-03-05. Review status: criteria provided, single submitter. Criteria: Ambry Variant Classification Scheme 2023. Collection method: clinical testing. Allele origin: germline.
Comment: The p.Q2092E variant (also known as c.6274C>G), located in coding exon 26 of the AKAP9 gene, results from a C to G substitution at nucleotide position 6274. The glutamine at codon 2092 is replaced by glutamic acid, an amino acid with highly similar properties. This amino acid position is conserved. In addition, this alteration is predicted to be tolerated by in silico analysis. Since supporting evidence is limited at this time, the clinical significance of this alteration remains unclear.

NM_005751.5(AKAP9):c.6274C>G (p.Gln2092Glu)

Gene: AKAP9 (A-kinase anchoring protein 9; plus strand). Cytogenetic location: 7q21.2.
Variant type: single nucleotide variant.
Coding change: c.6274C>G on transcript NM_005751.5 (MANE Select); coding-DNA position 6274, C replaced by G.
Protein change: p.Gln2092Glu; replaces glutamine 2092 with glutamic acid.
Molecular consequence: missense variant.
Genome position (GRCh38, 1-based): chr7:92,066,490, C>G. VCF-style: chr7-92066490-C-G. GRCh37 (hg19) VCF-style: chr7-91695804-C-G.
Other names: c.919C>G, p.Gln307Glu (NM_001379277.1); c.6274C>G, p.Gln2092Glu (NM_147185.3); short protein forms Q307E, Q2092E.
Identifiers: ClinVar variation 2449798 (VCV002449798.2), dbSNP rs2535208102, ClinGen allele CA368133309.